The following is an entry in ClinVar:

ClinVar aggregate classification (germline): Likely pathogenic (1 of 4 stars; one submission).

Conditions:
Duchenne muscular dystrophy (DMD). Also called: Duchenne Muscular Dystrophy (DMD); MUSCULAR DYSTROPHY, PSEUDOHYPERTROPHIC PROGRESSIVE, DUCHENNE TYPE. Identifiers: Orphanet 98896, MedGen C0013264, MONDO:0010679, OMIM 310200.

Submission:

Labcorp Genetics (formerly Invitae), Labcorp
Classification: Likely pathogenic for Duchenne muscular dystrophy. Last evaluated: 2022-06-29. Review status: criteria provided, single submitter. Criteria: Invitae Variant Classification Sherloc (09022015). Collection method: clinical testing. Allele origin: germline.
Comment: In summary, the currently available evidence indicates that the variant is pathogenic, but additional data are needed to prove that conclusively. Therefore, this variant has been classified as Likely Pathogenic. This variant has not been reported in the literature in individuals affected with DMD-related conditions. This variant results in the deletion of exon 51 and part of exon 52 (c.7310-13935_7581delinsATTGAGAAGCGGTAATGA) of the DMD gene. It is expected to disrupt RNA splicing. Variants that disrupt the donor or acceptor splice site typically lead to a loss of protein function (PMID: 16199547), and loss-of-function variants in DMD are known to be pathogenic (PMID: 16770791, 25007885).

Literature cited by the submitters: PubMed 16199547; PubMed 16770791; PubMed 25007885.

NC_000023.10:g.(?_31747827)_(31806244_?)del

Gene: DMD (dystrophin; minus strand). Cytogenetic location: Xp21.1.
Variant type: Deletion.
Identifiers: ClinVar variation 2425008 (VCV002425008.5).